The following is an entry in ClinVar:

ClinVar aggregate classification (germline): Uncertain significance (1 of 4 stars; one submission).

Allele frequency attached by ClinVar (database versions not stated): TOPMed below 0.00001.

Submission:

Labcorp Genetics (formerly Invitae), Labcorp
Classification: Uncertain significance. Last evaluated: 2022-01-06. Review status: criteria provided, single submitter. Criteria: Invitae Variant Classification Sherloc (09022015). Collection method: clinical testing. Allele origin: germline.
Comment: This sequence change replaces leucine, which is neutral and non-polar, with proline, which is neutral and non-polar, at codon 129 of the DUOX2 protein (p.Leu129Pro). This variant is not present in population databases (gnomAD no frequency). This variant has not been reported in the literature in individuals affected with DUOX2-related conditions. Advanced modeling of protein sequence and biophysical properties (such as structural, functional, and spatial information, amino acid conservation, physicochemical variation, residue mobility, and thermodynamic stability) performed at Invitae indicates that this missense variant is not expected to disrupt DUOX2 protein function. In summary, the available evidence is currently insufficient to determine the role of this variant in disease. Therefore, it has been classified as a Variant of Uncertain Significance.

NM_001363711.2(DUOX2):c.386T>C (p.Leu129Pro)

Gene: DUOX2 (dual oxidase 2; minus strand). Cytogenetic location: 15q21.1.
Variant type: single nucleotide variant.
Coding change: c.386T>C on transcript NM_001363711.2 (MANE Select); coding-DNA position 386, T replaced by C.
Protein change: p.Leu129Pro; replaces leucine 129 with proline.
Molecular consequence: missense variant.
Genome position (GRCh38, 1-based): chr15:45,111,895, A>G on the plus strand (T>C on the coding strand, the complement: DUOX2 is on the minus strand). VCF-style: chr15-45111895-A-G. GRCh37 (hg19) VCF-style: chr15-45404093-A-G.
Other names: c.386T>C, p.Leu129Pro (NM_014080.5); short protein forms L129P.
Identifiers: ClinVar variation 1485523 (VCV001485523.8), dbSNP rs1894432326, ClinGen allele CA392279419.
Genomic context (GRCh38, chr15:45,111,895, plus strand): 5'-ACCACGTCCCCGCGCTGGTCGGGGTCGAACACGGGGTCTCCAGGTGGGATGCGGATGTTG[A>G]GGAACTCGGCGGGGCAACCGGGCGTTTCCACGCTCACCACGTCGGAAAGAACATGGTAGC-3'
Protein context (NP_001350640.1, residues 119-139): VETPGCPAEF[Leu129Pro]NIRIPPGDPV